The following is an entry in ClinVar:

NM_020297.4(ABCC9):c.842G>A (p.Arg281Gln)

Gene: ABCC9 (ATP binding cassette subfamily C member 9; minus strand). Cytogenetic location: 12p12.1.
Variant type: single nucleotide variant.
Coding change: c.842G>A on transcript NM_020297.4 (MANE Select); coding-DNA position 842, G replaced by A.
Protein change: p.Arg281Gln; replaces arginine 281 with glutamine.
Molecular consequence: missense variant. On other transcripts: 5 prime UTR variant (1).
Genome position (GRCh38, 1-based): chr12:21,913,041, C>T on the plus strand (G>A on the coding strand, the complement: ABCC9 is on the minus strand). VCF-style: chr12-21913041-C-T. GRCh37 (hg19) VCF-style: chr12-22065975-C-T.
Other names: c.842G>A, p.Arg281Gln (NM_001377273.1, NM_005691.4); c.-23G>A (NM_001377274.1); short protein forms R281Q.
Identifiers: ClinVar variation 308044 (VCV000308044.16), dbSNP rs753456211, ClinGen allele CA6481788.

ClinVar aggregate classification (germline): Uncertain significance. Review status: criteria provided, multiple submitters, no conflicts (2 of 4 stars). 8 submissions from 7 submitters: Uncertain significance (5). 3 of the submissions do not count toward it. Last evaluated 2025-11-10.

Conditions:
Dilated cardiomyopathy 1O (CMD1O). Also called: CARDIOMYOPATHY, DILATED, WITH VENTRICULAR TACHYCARDIA. Identifiers: Orphanet 154, MedGen C1837839, MONDO:0012062, OMIM 608569.
Cardiomyopathy (CMYO). Also called: Cardiomyopathies. Identifiers: Orphanet 167848, MedGen C0878544, MONDO:0004994, HP:0001638. Inheritance: Various modes of inheritance.
Hypertrichotic osteochondrodysplasia Cantu type. Also called: Cantu Syndrome; Cantú Syndrome. Identifiers: Orphanet 1517, MedGen C0795905, MONDO:0009406, OMIM 239850.

Allele frequency attached by ClinVar (database versions not stated): gnomAD 0.00001; gnomAD exomes 0.00001 and 0.00002; TOPMed 0.00001; ExAC 0.00002.
gnomAD v4.1: 25 of 1,597,270 alleles (0.0016%); highest among the groups gnomAD compares: Middle Eastern, 0.017%; no homozygotes.

Submissions (8):

Labcorp Genetics (formerly Invitae), Labcorp
Classification: Uncertain significance for Dilated cardiomyopathy 1O. Last evaluated: 2025-11-10. Review status: criteria provided, single submitter. Criteria: Invitae Variant Classification Sherloc (09022015). Collection method: clinical testing. Allele origin: germline.
Comment: This sequence change replaces arginine, which is basic and polar, with glutamine, which is neutral and polar, at codon 281 of the ABCC9 protein (p.Arg281Gln). This variant is present in population databases (rs753456211, gnomAD 0.002%). This variant has not been reported in the literature in individuals affected with ABCC9-related conditions. ClinVar contains an entry for this variant (Variation ID: 308044). Invitae Evidence Modeling of protein sequence and biophysical properties (such as structural, functional, and spatial information, amino acid conservation, physicochemical variation, residue mobility, and thermodynamic stability) indicates that this missense variant is not expected to disrupt ABCC9 protein function with a negative predictive value of 95%. In summary, the available evidence is currently insufficient to determine the role of this variant in disease. Therefore, it has been classified as a Variant of Uncertain Significance.

CHEO Genetics Diagnostic Laboratory, Children's Hospital of Eastern Ontario
Classification: Uncertain significance for Cardiomyopathy. Last evaluated: 2018-05-25. Review status: criteria provided, single submitter. Criteria: ACMG Guidelines, 2015. Collection method: clinical testing. Allele origin: germline.

Illumina Laboratory Services, Illumina
Classification: Uncertain significance for Dilated cardiomyopathy 1O. Last evaluated: 2018-01-13. Review status: criteria provided, single submitter. Criteria: ICSL Variant Classification Criteria 13 December 2019. Collection method: clinical testing. Allele origin: germline.

Illumina Laboratory Services, Illumina
Classification: Uncertain significance for Hypertrichotic osteochondrodysplasia Cantu type. Last evaluated: 2018-01-13. Review status: criteria provided, single submitter. Criteria: ICSL Variant Classification Criteria 13 December 2019. Collection method: clinical testing. Allele origin: germline.

Breakthrough Genomics
Classification: Uncertain significance. Review status: criteria provided, single submitter. Criteria: ACMG Guidelines, 2015. Collection method: not provided. Allele origin: germline. Inheritance: Autosomal recessive inheritance. Affected: yes.

Clinical Genetics DNA and cytogenetics Diagnostics Lab, Erasmus MC, Erasmus Medical Center
Classification: Likely benign. Review status: no assertion criteria provided. Collection method: clinical testing. Allele origin: germline. Affected: yes. Study: VKGL Data-share Consensus. Not counted in ClinVar's aggregate classification.

Clinical Genetics, Academic Medical Center
Classification: Likely benign. Review status: no assertion criteria provided. Collection method: clinical testing. Allele origin: germline. Affected: yes. Study: VKGL Data-share Consensus. Not counted in ClinVar's aggregate classification.

Genome Diagnostics Laboratory, University Medical Center Utrecht
Classification: Likely benign. Review status: no assertion criteria provided. Collection method: clinical testing. Allele origin: germline. Affected: yes. Study: VKGL Data-share Consensus. Not counted in ClinVar's aggregate classification.